The following is an entry in ClinVar:

NM_004972.4(JAK2):c.1685G>T (p.Gly562Val)

Genes: INSL6 (insulin like 6; minus strand), JAK2 (Janus kinase 2; plus strand). Cytogenetic location: 9p24.1.
Variant type: single nucleotide variant.
Coding change: c.1685G>T on transcript NM_004972.4 (MANE Select); coding-DNA position 1685, G replaced by T.
Protein change: p.Gly562Val; replaces glycine 562 with valine.
Molecular consequence: missense variant. On other transcripts: non-coding transcript variant (2).
Genome position (GRCh38, 1-based): chr9:5,072,535, G>T. VCF-style: chr9-5072535-G-T. GRCh37 (hg19) VCF-style: chr9-5072535-G-T.
Other names: c.1685G>T, p.Gly562Val (NM_001322194.2, NM_001322195.2, NM_001322196.2); c.470G>T, p.Gly157Val (NM_001322198.2, NM_001322199.2); c.1238G>T, p.Gly413Val (NM_001322204.2); short protein forms G413V, G562V, G157V.
Identifiers: ClinVar variation 3655221 (VCV003655221.2).

ClinVar aggregate classification (germline): Uncertain significance (1 of 4 stars; one submission).

Submission:

Labcorp Genetics (formerly Invitae), Labcorp
Classification: Uncertain significance. Last evaluated: 2024-05-31. Review status: criteria provided, single submitter. Criteria: Invitae Variant Classification Sherloc (09022015). Collection method: clinical testing. Allele origin: germline.
Comment: This sequence change replaces glycine, which is neutral and non-polar, with valine, which is neutral and non-polar, at codon 562 of the JAK2 protein (p.Gly562Val). This variant is not present in population databases (gnomAD no frequency). This variant has not been reported in the literature in individuals affected with JAK2-related conditions. Advanced modeling of protein sequence and biophysical properties (such as structural, functional, and spatial information, amino acid conservation, physicochemical variation, residue mobility, and thermodynamic stability) performed at Invitae indicates that this missense variant is expected to disrupt JAK2 protein function with a positive predictive value of 80%. In summary, the available evidence is currently insufficient to determine the role of this variant in disease. Therefore, it has been classified as a Variant of Uncertain Significance.